The following is an entry in ClinVar:

ClinVar aggregate classification (germline): Uncertain significance (1 of 4 stars; one submission).

Conditions:
Emery-Dreifuss muscular dystrophy 5, autosomal dominant (EDMD5). Also called: EMERY-DREIFUSS MUSCULAR DYSTROPHY 5. Identifiers: Orphanet 261, MedGen C2751805, MONDO:0013072, OMIM 612999.

gnomAD v4.1: 1 of 1,612,854 alleles (0.000062%); highest among the groups gnomAD compares: Non-Finnish European, 0.000085%; no homozygotes.

Submission:

Labcorp Genetics (formerly Invitae), Labcorp
Classification: Uncertain significance for Emery-Dreifuss muscular dystrophy 5, autosomal dominant. Last evaluated: 2025-01-02. Review status: criteria provided, single submitter. Criteria: Invitae Variant Classification Sherloc (09022015). Collection method: clinical testing. Allele origin: germline.
Comment: This sequence change replaces glycine, which is neutral and non-polar, with arginine, which is basic and polar, at codon 1052 of the SYNE2 protein (p.Gly1052Arg). This variant is not present in population databases (gnomAD no frequency). This variant has not been reported in the literature in individuals affected with SYNE2-related conditions. An algorithm developed to predict the effect of missense changes on protein structure and function outputs the following: PolyPhen-2: "Benign". The arginine amino acid residue is found in multiple mammalian species, which suggests that this missense change does not adversely affect protein function. In summary, the available evidence is currently insufficient to determine the role of this variant in disease. Therefore, it has been classified as a Variant of Uncertain Significance.

NM_182914.3(SYNE2):c.3154G>A (p.Gly1052Arg)

Gene: SYNE2 (spectrin repeat containing nuclear envelope protein 2; plus strand). Cytogenetic location: 14q23.2.
Variant type: single nucleotide variant.
Coding change: c.3154G>A on transcript NM_182914.3 (MANE Select); coding-DNA position 3154, G replaced by A.
Protein change: p.Gly1052Arg; replaces glycine 1052 with arginine.
Molecular consequence: missense variant.
Genome position (GRCh38, 1-based): chr14:63,997,302, G>A. VCF-style: chr14-63997302-G-A. GRCh37 (hg19) VCF-style: chr14-64464020-G-A.
Other names: c.3154G>A, p.Gly1052Arg (NM_015180.6); short protein forms G1052R.
Identifiers: ClinVar variation 3686280 (VCV003686280.2).